The following is an entry in ClinVar:

ClinVar aggregate classification (germline): Uncertain significance (1 of 4 stars; one submission).

Submission:

GeneDx
Classification: Uncertain significance. Last evaluated: 2024-08-30. Review status: criteria provided, single submitter. Criteria: GeneDx Variant Classification Process June 2021. Collection method: clinical testing. Allele origin: germline. Affected: yes.
Comment: Not observed at significant frequency in large population cohorts (gnomAD); In silico analysis supports that this missense variant has a deleterious effect on protein structure/function; Has not been previously published as pathogenic or benign to our knowledge

NM_001134407.3(GRIN2A):c.2416G>A (p.Glu806Lys)

Gene: GRIN2A (glutamate ionotropic receptor NMDA type subunit 2A; minus strand). Cytogenetic location: 16p13.2.
Variant type: single nucleotide variant.
Coding change: c.2416G>A on transcript NM_001134407.3 (MANE Select); coding-DNA position 2416, G replaced by A.
Protein change: p.Glu806Lys; replaces glutamic acid 806 with lysine.
Molecular consequence: missense variant.
Genome position (GRCh38, 1-based): chr16:9,769,030, C>T on the plus strand (G>A on the coding strand, the complement: GRIN2A is on the minus strand). VCF-style: chr16-9769030-C-T. GRCh37 (hg19) VCF-style: chr16-9862887-C-T.
Other names: c.2416G>A, p.Glu806Lys (NM_000833.5, NM_001134408.2); short protein forms E806K.
Identifiers: ClinVar variation 3765946 (VCV003765946.1).